The following is an entry in ClinVar:

ClinVar aggregate classification (germline): Pathogenic (1 of 4 stars; one submission).

Conditions:
Early-infantile DEE. Also called: Early infantile epileptic encephalopathy; Ohtahara syndrome; Early infantile epileptic encephalopathy with suppression bursts. Identifiers: Orphanet 1934, MedGen C0393706, MONDO:0800491.

Submission:

Labcorp Genetics (formerly Invitae), Labcorp
Classification: Pathogenic for Early-infantile DEE. Last evaluated: 2021-07-14. Review status: criteria provided, single submitter. Criteria: Invitae Variant Classification Sherloc (09022015). Collection method: clinical testing. Allele origin: germline.
Comment: This sequence change replaces glycine with arginine at codon 1515 of the SCN1A protein (p.Gly1515Arg). The glycine residue is highly conserved and there is a moderate physicochemical difference between glycine and arginine. This variant is not present in population databases (ExAC no frequency). This variant has been observed in individuals with SCN1A-related conditions (PMID: 25108116; Invitae). It has also been observed to segregate with disease in related individuals. Advanced modeling of protein sequence and biophysical properties (such as structural, functional, and spatial information, amino acid conservation, physicochemical variation, residue mobility, and thermodynamic stability) performed at Invitae indicates that this missense variant is expected to disrupt SCN1A protein function. For these reasons, this variant has been classified as Pathogenic.

Literature cited by the submitters: PubMed 25108116.

NM_001165963.4(SCN1A):c.4543G>C (p.Gly1515Arg)

Genes: SCN1A (sodium voltage-gated channel alpha subunit 1; minus strand), LOC102724058 (uncharacterized LOC102724058; plus strand). Cytogenetic location: 2q24.3.
Variant type: single nucleotide variant.
Coding change: c.4543G>C on transcript NM_001165963.4 (MANE Select); coding-DNA position 4543, G replaced by C.
Protein change: p.Gly1515Arg; replaces glycine 1515 with arginine.
Molecular consequence: missense variant. On other transcripts: non-coding transcript variant (1).
Genome position (GRCh38, 1-based): chr2:165,996,051, C>G on the plus strand (G>C on the coding strand, the complement: SCN1A is on the minus strand). VCF-style: chr2-165996051-C-G. GRCh37 (hg19) VCF-style: chr2-166852561-C-G.
Other names: c.4459G>C, p.Gly1487Arg (NM_001165964.3, NM_001353957.2, NM_001353958.2); c.4543G>C, p.Gly1515Arg (NM_001202435.3, NM_001353948.2); c.4510G>C, p.Gly1504Arg (NM_001353949.2, NM_001353950.2, NM_001353951.2 and 2 more transcripts); c.4507G>C, p.Gly1503Arg (NM_001353954.2, NM_001353955.2); c.4456G>C, p.Gly1486Arg (NM_001353960.2); c.2101G>C, p.Gly701Arg (NM_001353961.2); short protein forms G1503R, G1504R, G1487R, G1515R, G701R, G1486R.
Identifiers: ClinVar variation 1452748 (VCV001452748.9), dbSNP rs796053020, ClinGen allele CA349048633.